The following is an entry in ClinVar:

ClinVar aggregate classification (germline): Uncertain significance. Review status: criteria provided, multiple submitters, no conflicts (2 of 4 stars). 2 submissions from 2 submitters: Uncertain significance (2). Last evaluated 2025-11-24.

Conditions:
Cardiovascular phenotype. Identifiers: MedGen CN230736.
Hereditary cancer-predisposing syndrome. Also called: Neoplastic Syndromes, Hereditary; Tumor predisposition; Hereditary neoplastic syndrome; Hereditary Cancer Syndrome. Identifiers: Orphanet 140162, MedGen C0027672, MeSH D009386, MONDO:0015356.
Neurofibromatosis, type 1 (NF1). Also called: Peripheral type neurofibromatosis; VON RECKLINGHAUSEN DISEASE; NEUROFIBROMATOSIS, TYPE I, SOMATIC; Neurofibromatosis, type I. Identifiers: Orphanet 636, MedGen C0027831, MONDO:0018975, OMIM 162200. Disease mechanism: loss of function.

Allele frequency attached by ClinVar (database versions not stated): gnomAD exomes below 0.00001.

Submissions (2):

Labcorp Genetics (formerly Invitae), Labcorp
Classification: Uncertain significance for Neurofibromatosis, type 1. Last evaluated: 2025-11-24. Review status: criteria provided, single submitter. Criteria: Invitae Variant Classification Sherloc (09022015). Collection method: clinical testing. Allele origin: germline.
Comment: This sequence change falls in intron 41 of the NF1 gene. It does not directly change the encoded amino acid sequence of the NF1 protein. It affects a nucleotide within the consensus splice site. This variant is not present in population databases (gnomAD no frequency). This variant has been observed in individual(s) with clinical features of neurofibromatosis type 1 (PMID: 23913538). ClinVar contains an entry for this variant (Variation ID: 1753069). Variants that disrupt the consensus splice site are a relatively common cause of aberrant splicing (PMID: 17576681, 9536098). Algorithms developed to predict the effect of sequence changes on RNA splicing suggest that this variant may disrupt the consensus splice site. In summary, the available evidence is currently insufficient to determine the role of this variant in disease. Therefore, it has been classified as a Variant of Uncertain Significance.

Ambry Genetics
Classification: Uncertain significance for Cardiovascular phenotype; Hereditary cancer-predisposing syndrome. Last evaluated: 2024-08-08. Review status: criteria provided, single submitter. Criteria: Ambry Variant Classification Scheme 2023. Collection method: clinical testing. Allele origin: germline.
Comment: The c.6364+3A>G intronic variant results from an A to G substitution 3 nucleotides after coding exon 41 in the NF1 gene. This nucleotide position is not well conserved in available vertebrate species. In silico splice site analysis for this alteration is inconclusive; however, direct evidence is insufficient at this time (Ambry internal data). Since supporting evidence is limited at this time, the clinical significance of this alteration remains unclear.

Literature cited by the submitters: PubMed 23913538 (cited by Labcorp Genetics (formerly Invitae), Labcorp); PubMed 17576681 (cited by Labcorp Genetics (formerly Invitae), Labcorp); PubMed 9536098 (cited by Labcorp Genetics (formerly Invitae), Labcorp).

NM_001042492.3(NF1):c.6427+3A>G

Gene: NF1 (neurofibromin 1; plus strand). Cytogenetic location: 17q11.2.
Variant type: single nucleotide variant.
Coding change: c.6427+3A>G on transcript NM_001042492.3 (MANE Select); 3 bases into the intron after coding-DNA position 6427, A replaced by G.
Molecular consequence: intron variant.
Genome position (GRCh38, 1-based): chr17:31,336,917, A>G. VCF-style: chr17-31336917-A-G. GRCh37 (hg19) VCF-style: chr17-29663935-A-G.
Other names: c.6364+3A>G (NM_000267.4).
Identifiers: ClinVar variation 1753069 (VCV001753069.8), dbSNP rs2151555206, ClinGen allele CA2580093345.
Genomic context (GRCh38, chr17:31,336,917, plus strand): 5'-GGACTGGTCATTAATATCATTCACTCTCTGTGTACTTGTTCACAGCTTCATTTTAGTGGT[A>G]AGTTCTAGGAAAGGAATTTGTGTTTACCAGTTCCTTTCTCCATTTTACTTCACCTGATCA-3'